The following is an entry in ClinVar:

ClinVar aggregate classification (germline): Uncertain significance (1 of 4 stars; one submission).

Allele frequency attached by ClinVar (database versions not stated): gnomAD 0.00002; TOPMed 0.00003; gnomAD exomes 0.00005; ExAC 0.00008.

Submission:

Labcorp Genetics (formerly Invitae), Labcorp
Classification: Uncertain significance. Last evaluated: 2023-07-26. Review status: criteria provided, single submitter. Criteria: Invitae Variant Classification Sherloc (09022015). Collection method: clinical testing. Allele origin: germline.
Comment: This sequence change replaces threonine, which is neutral and polar, with methionine, which is neutral and non-polar, at codon 326 of the CRAT protein (p.Thr326Met). This variant is present in population databases (rs763262443, gnomAD 0.03%). This variant has not been reported in the literature in individuals affected with CRAT-related conditions. ClinVar contains an entry for this variant (Variation ID: 1911176). Advanced modeling of protein sequence and biophysical properties (such as structural, functional, and spatial information, amino acid conservation, physicochemical variation, residue mobility, and thermodynamic stability) performed at Invitae indicates that this missense variant is expected to disrupt CRAT protein function. In summary, the available evidence is currently insufficient to determine the role of this variant in disease. Therefore, it has been classified as a Variant of Uncertain Significance.

NM_000755.5(CRAT):c.977C>T (p.Thr326Met)

Gene: CRAT (carnitine O-acetyltransferase; minus strand). Cytogenetic location: 9q34.11.
Variant type: single nucleotide variant.
Coding change: c.977C>T on transcript NM_000755.5 (MANE Select); coding-DNA position 977, C replaced by T.
Protein change: p.Thr326Met; replaces threonine 326 with methionine.
Molecular consequence: missense variant.
Genome position (GRCh38, 1-based): chr9:129,100,518, G>A on the plus strand (C>T on the coding strand, the complement: CRAT is on the minus strand). VCF-style: chr9-129100518-G-A. GRCh37 (hg19) VCF-style: chr9-131862797-G-A.
Other names: c.914C>T, p.Thr305Met (NM_001257363.3, NM_001346548.2, NM_004003.4); c.980C>T, p.Thr327Met (NM_001346546.2); c.977C>T, p.Thr326Met (NM_001346547.2); c.857C>T, p.Thr286Met (NM_001346549.2); short protein forms T327M, T305M, T286M, T326M.
Identifiers: ClinVar variation 1911176 (VCV001911176.5), dbSNP rs763262443, ClinGen allele CA5275557.